The following is an entry in ClinVar:

NC_000023.11:g.(?_32342090)_(32699303_?)dup

Gene: DMD (dystrophin; minus strand). Cytogenetic location: Xp21.1.
Variant type: Duplication.
Identifiers: ClinVar variation 832628 (VCV000832628.7).

ClinVar aggregate classification (germline): Pathogenic (1 of 4 stars; one submission).

Conditions:
Duchenne muscular dystrophy (DMD). Also called: Duchenne Muscular Dystrophy (DMD); MUSCULAR DYSTROPHY, PSEUDOHYPERTROPHIC PROGRESSIVE, DUCHENNE TYPE. Identifiers: Orphanet 98896, MedGen C0013264, MONDO:0010679, OMIM 310200.

Submission:

Labcorp Genetics (formerly Invitae), Labcorp
Classification: Pathogenic for Duchenne muscular dystrophy. Last evaluated: 2021-09-16. Review status: criteria provided, single submitter. Criteria: Invitae Variant Classification Sherloc (09022015). Collection method: clinical testing. Allele origin: germline.
Comment: This variant results in a copy number gain of the genomic region encompassing exon(s) 8-41 of the DMD gene. While the exact position of this variant cannot be determined from the data, sub-genic copy number gains are generally in tandem (PMID: 25640679). This variant is predicted to be out-of-frame, and may result in an absent or disrupted protein product. Loss-of-function variants in DMD are known to be pathogenic (PMID: 16770791, 25007885). A similar copy number variant has been observed in individuals with Becker or Duchenne muscular dystrophy (PMID: 26911353). For these reasons, this variant has been classified as Pathogenic.

Literature cited by the submitters: PubMed 25640679; PubMed 16770791; PubMed 25007885; PubMed 26911353.